The following is an entry in ClinVar:

ClinVar aggregate classification (germline): Uncertain significance. Review status: criteria provided, multiple submitters, no conflicts (2 of 4 stars). 2 submissions from 2 submitters: Uncertain significance (2). Last evaluated 2024-11-27.

Conditions:
Charcot-Marie-Tooth disease type 2. Also called: Charcot-Marie-Tooth type 2. Identifiers: Orphanet 64746, MedGen C0270914, MONDO:0018993.
Emery-Dreifuss muscular dystrophy 2, autosomal dominant (EDMD2). Also called: MUSCULAR DYSTROPHY WITH EARLY CONTRACTURES AND CARDIOMYOPATHY, AUTOSOMAL DOMINANT; SCAPULOILIOPERONEAL ATROPHY WITH CARDIOPATHY; Benign scapuloperoneal muscular dystrophy with cardiomyopathy; LMNA-Related Emery-Dreifuss Muscular Dystrophy, Autosomal; HAUPTMANN-THANNHAUSER MUSCULAR DYSTROPHY; Limb-girdle muscular dystrophy, type 1B. Identifiers: Orphanet 261, Orphanet 264, MedGen C0410190, MONDO:0021569, OMIM 181350.

Submissions (2):

3billion
Classification: Uncertain significance for Emery-Dreifuss muscular dystrophy 2, autosomal dominant. Last evaluated: 2024-11-27. Review status: criteria provided, single submitter. Criteria: ACMG Guidelines, 2015. Collection method: clinical testing. Allele origin: germline. Affected: yes.
Comment: The variant is not observed in the gnomAD v4.1.0 dataset. Predicted Consequence/Location: Missense variant In silico tool predictions suggest damaging effect of the variant on gene or gene product [REVEL: 0.96 (>=0.6, sensitivity 0.68 and specificity 0.92); 3Cnet: 0.98 (>=0.6, sensitivity 0.72 and precision 0.9)]. The variant has been reported as of uncertain significance (ClinVar ID: VCV001500592). Therefore, this variant is classified as VUS according to the recommendation of ACMG/AMP guideline.

Labcorp Genetics (formerly Invitae), Labcorp
Classification: Uncertain significance for Charcot-Marie-Tooth disease type 2. Last evaluated: 2024-04-16. Review status: criteria provided, single submitter. Criteria: Invitae Variant Classification Sherloc (09022015). Collection method: clinical testing. Allele origin: germline.
Comment: This sequence change replaces leucine, which is neutral and non-polar, with proline, which is neutral and non-polar, at codon 116 of the LMNA protein (p.Leu116Pro). This variant is not present in population databases (gnomAD no frequency). This variant has not been reported in the literature in individuals affected with LMNA-related conditions. ClinVar contains an entry for this variant (Variation ID: 1500592). Advanced modeling of protein sequence and biophysical properties (such as structural, functional, and spatial information, amino acid conservation, physicochemical variation, residue mobility, and thermodynamic stability) performed at Invitae indicates that this missense variant is expected to disrupt LMNA protein function with a positive predictive value of 95%. In summary, the available evidence is currently insufficient to determine the role of this variant in disease. Therefore, it has been classified as a Variant of Uncertain Significance.

NM_170707.4(LMNA):c.347T>C (p.Leu116Pro)

Gene: LMNA (lamin A/C; plus strand). Cytogenetic location: 1q22.
Variant type: single nucleotide variant.
Coding change: c.347T>C on transcript NM_170707.4 (MANE Select); coding-DNA position 347, T replaced by C.
Protein change: p.Leu116Pro; replaces leucine 116 with proline.
Molecular consequence: missense variant.
Genome position (GRCh38, 1-based): chr1:156,115,265, T>C. VCF-style: chr1-156115265-T-C. GRCh37 (hg19) VCF-style: chr1-156085056-T-C.
Other names: c.347T>C, p.Leu116Pro (NM_001282625.2, NM_001282626.2, NM_005572.4 and 1 more transcripts); short protein forms L116P.
Identifiers: ClinVar variation 1500592 (VCV001500592.9), dbSNP rs2102819141, ClinGen allele CA342808893.
Genomic context (GRCh38, chr1:156,115,265, plus strand): 5'-CCAAGGAGCGCGCCCGCCTGCAGCTGGAGCTGAGCAAAGTGCGTGAGGAGTTTAAGGAGC[T>C]GAAAGCGCGGTGAGTTCGCCCAGGTGGCTGCGTGCCTGGCGGGGAGTGGAGAGGGCGGCG-3'
Protein context (NP_733821.1, residues 106-126): LSKVREEFKE[Leu116Pro]KARNTKKEGD